The following is an entry in ClinVar:

ClinVar aggregate classification (germline): Likely benign (1 of 4 stars; one submission).

Conditions:
Malignant hyperthermia, susceptibility to, 5 (MHS5). Also called: CACNA1S-Related Malignant Hyperthermia Susceptibility. Identifiers: Orphanet 423, MedGen C1866077, MONDO:0011163, OMIM 601887.

Submission:

All of Us Research Program, National Institutes of Health
Classification: Likely benign for Malignant hyperthermia, susceptibility to, 5. Last evaluated: 2023-03-07. Review status: criteria provided, single submitter. Criteria: ACMG Guidelines, 2015. Collection method: clinical testing. Allele origin: germline. Inheritance: Autosomal dominant inheritance. Observed: 1 variant allele, 1 heterozygote.
Comment: This study involves interpretation of variants in research participants for the purpose of population health screening. Participant phenotype was not available at the time of variant classification. Additional details can be found in publication PMID: 35346344, PMCID: PMC8962531

NM_000069.3(CACNA1S):c.1722C>T (p.Ala574=)

Gene: CACNA1S (calcium voltage-gated channel subunit alpha1 S; minus strand). Cytogenetic location: 1q32.1.
Variant type: single nucleotide variant.
Coding change: c.1722C>T on transcript NM_000069.3 (MANE Select); coding-DNA position 1722, C replaced by T.
Protein change: p.Ala574=; no amino-acid change (alanine 574 retained).
Molecular consequence: synonymous variant.
Genome position (GRCh38, 1-based): chr1:201,077,025, G>A on the plus strand (C>T on the coding strand, the complement: CACNA1S is on the minus strand). VCF-style: chr1-201077025-G-A. GRCh37 (hg19) VCF-style: chr1-201046153-G-A.
Identifiers: ClinVar variation 3069731 (VCV003069731.1), dbSNP rs2464566975, ClinGen allele CA422689429.